The following is an entry in ClinVar:

NM_004385.5(VCAN):c.8539A>G (p.Ser2847Gly)

Genes: VCAN (versican; plus strand), VCAN-AS1 (VCAN antisense RNA 1; minus strand). Cytogenetic location: 5q14.3.
Variant type: single nucleotide variant.
Coding change: c.8539A>G on transcript NM_004385.5 (MANE Select); coding-DNA position 8539, A replaced by G.
Protein change: p.Ser2847Gly; replaces serine 2847 with glycine.
Molecular consequence: missense variant. On other transcripts: intron variant (2).
Genome position (GRCh38, 1-based): chr5:83,541,542, A>G. VCF-style: chr5-83541542-A-G. GRCh37 (hg19) VCF-style: chr5-82837361-A-G.
Other names: c.8539A>G (NM_004385.4); c.5578A>G, p.Ser1860Gly (NM_001164097.2); c.4004-3995A>G (NM_001164098.2); c.1043-3995A>G (NM_001126336.3); short protein forms S1860G, S2847G.
Identifiers: ClinVar variation 1005907 (VCV001005907.9), dbSNP rs1373649150, ClinGen allele CA360293634.

ClinVar aggregate classification (germline): Uncertain significance. Review status: criteria provided, multiple submitters, no conflicts (2 of 4 stars). 2 submissions from 2 submitters: Uncertain significance (2). Last evaluated 2024-12-16.

Conditions:
Inborn genetic diseases. Identifiers: MedGen C0950123, MeSH D030342.

Allele frequency attached by ClinVar (database versions not stated): gnomAD 0.00001; gnomAD exomes 0.00001; TOPMed 0.00001.
gnomAD v4.1: 16 of 1,613,872 alleles (0.00099%); highest among the groups gnomAD compares: South Asian, 0.0066%; no homozygotes.

Submissions (2):

Ambry Genetics
Classification: Uncertain significance for Inborn genetic diseases. Last evaluated: 2024-12-16. Review status: criteria provided, single submitter. Criteria: Ambry Variant Classification Scheme 2023. Collection method: clinical testing. Allele origin: germline.

Labcorp Genetics (formerly Invitae), Labcorp
Classification: Uncertain significance. Last evaluated: 2021-08-02. Review status: criteria provided, single submitter. Criteria: Invitae Variant Classification Sherloc (09022015). Collection method: clinical testing. Allele origin: germline.
Comment: In summary, the available evidence is currently insufficient to determine the role of this variant in disease. Therefore, it has been classified as a Variant of Uncertain Significance. Algorithms developed to predict the effect of missense changes on protein structure and function output the following: SIFT: "Tolerated"; PolyPhen-2: "Benign"; Align-GVGD: "Class C0". The glycine amino acid residue is found in multiple mammalian species, which suggests that this missense change does not adversely affect protein function. ClinVar contains an entry for this variant (Variation ID: 1005907). This variant has not been reported in the literature in individuals affected with VCAN-related conditions. This variant is not present in population databases (ExAC no frequency). This sequence change replaces serine with glycine at codon 2847 of the VCAN protein (p.Ser2847Gly). The serine residue is moderately conserved and there is a small physicochemical difference between serine and glycine.